The following is an entry in ClinVar:

ClinVar aggregate classification (germline): Pathogenic (1 of 4 stars; one submission).

Submission:

Labcorp Genetics (formerly Invitae), Labcorp
Classification: Pathogenic. Last evaluated: 2022-08-25. Review status: criteria provided, single submitter. Criteria: Invitae Variant Classification Sherloc (09022015). Collection method: clinical testing. Allele origin: germline.
Comment: This variant is a gross deletion of the genomic region encompassing exon(s) 47-51 of the VPS13A gene. This deletion is out-of-frame, and is expected to create a premature termination codon and result in an absent or disrupted protein product. Loss-of-function variants in VPS13A are known to be pathogenic (PMID: 12404112, 21598378). This variant has not been reported in the literature in individuals affected with VPS13A-related conditions. For these reasons, this variant has been classified as Pathogenic.

Literature cited by the submitters: PubMed 12404112; PubMed 21598378.

NC_000009.11:g.(?_79952161)_(79959207_?)del

Gene: VPS13A (vacuolar protein sorting 13 homolog A; plus strand). Cytogenetic location: 9q21.2.
Variant type: Deletion.
Identifiers: ClinVar variation 1076767 (VCV001076767.6).